The following is an entry in ClinVar:

NM_000125.4(ESR1):c.207C>G (p.Asn69Lys)

Gene: ESR1 (estrogen receptor 1; plus strand). Cytogenetic location: 6q25.1.
Variant type: single nucleotide variant.
Coding change: c.207C>G on transcript NM_000125.4 (MANE Select); coding-DNA position 207, C replaced by G.
Protein change: p.Asn69Lys; replaces asparagine 69 with lysine.
Molecular consequence: missense variant.
Genome position (GRCh38, 1-based): chr6:151,808,119, C>G. VCF-style: chr6-151808119-C-G. GRCh37 (hg19) VCF-style: chr6-152129254-C-G.
Other names: c.207C>G, p.Asn69Lys (NM_001122740.2, NM_001122741.2, NM_001122742.2 and 7 more transcripts); short protein forms N69K.
Identifiers: ClinVar variation 4983548 (VCV004983548.1).

ClinVar aggregate classification (germline): Uncertain significance (1 of 4 stars; one submission).

Conditions:
ESR1-related disorder. Also called: ESR1-related condition.

gnomAD v4.1: 13 of 1,610,766 alleles (0.00081%); highest among the groups gnomAD compares: Admixed American, 0.01%; no homozygotes.

Submission:

PreventionGenetics, part of Exact Sciences
Classification: Uncertain significance for ESR1-related condition. Last evaluated: 2025-04-28. Review status: criteria provided, single submitter. Criteria: ACMG Guidelines, 2015. Collection method: clinical testing. Allele origin: germline.
Comment: The ESR1 c.207C>G variant is predicted to result in the amino acid substitution p.Asn69Lys. This variant has been identified in a study of individuals with breast cancer, although little additional evidence was provided and its pathogenicity was not established (Clusan et al. 2021. PubMed ID: 33451133). This variant is reported in 0.012% of alleles in individuals of Latino descent in gnomAD. At this time, the clinical significance of this variant is uncertain due to the absence of conclusive functional and genetic evidence.